The following is an entry in ClinVar:

NM_004963.4(GUCY2C):c.853G>A (p.Val285Ile)

Genes: GUCY2C (guanylate cyclase 2C; minus strand), GUCY2C-AS1 (GUCY2C antisense RNA 1; plus strand). Cytogenetic location: 12p12.3.
Variant type: single nucleotide variant.
Coding change: c.853G>A on transcript NM_004963.4 (MANE Select); coding-DNA position 853, G replaced by A.
Protein change: p.Val285Ile; replaces valine 285 with isoleucine.
Molecular consequence: missense variant.
Genome position (GRCh38, 1-based): chr12:14,676,949, C>T on the plus strand (G>A on the coding strand, the complement: GUCY2C is on the minus strand). VCF-style: chr12-14676949-C-T. GRCh37 (hg19) VCF-style: chr12-14829883-C-T.
Other names: short protein forms V285I.
Identifiers: ClinVar variation 2006689 (VCV002006689.4), dbSNP rs2497780406, ClinGen allele CA384003781.

ClinVar aggregate classification (germline): Uncertain significance (1 of 4 stars; one submission).

Allele frequency attached by ClinVar (database versions not stated): gnomAD exomes below 0.00001.
gnomAD v4.1: 1 of 1,522,638 alleles (0.000066%); highest among the groups gnomAD compares: South Asian, 0.0012%; no homozygotes.

Submission:

Labcorp Genetics (formerly Invitae), Labcorp
Classification: Uncertain significance. Last evaluated: 2022-06-14. Review status: criteria provided, single submitter. Criteria: Invitae Variant Classification Sherloc (09022015). Collection method: clinical testing. Allele origin: germline.
Comment: In summary, the available evidence is currently insufficient to determine the role of this variant in disease. Therefore, it has been classified as a Variant of Uncertain Significance. Algorithms developed to predict the effect of missense changes on protein structure and function output the following: SIFT: "Tolerated"; PolyPhen-2: "Benign"; Align-GVGD: "Class C0". The isoleucine amino acid residue is found in multiple mammalian species, which suggests that this missense change does not adversely affect protein function. This variant has not been reported in the literature in individuals affected with GUCY2C-related conditions. This variant is not present in population databases (gnomAD no frequency). This sequence change replaces valine, which is neutral and non-polar, with isoleucine, which is neutral and non-polar, at codon 285 of the GUCY2C protein (p.Val285Ile).